The following is an entry in ClinVar:

ClinVar aggregate classification (germline): Pathogenic (1 of 4 stars; one submission).

Allele frequency attached by ClinVar (database versions not stated): gnomAD 0.00001.
gnomAD v4.1: 1 of 1,614,040 alleles (0.000062%); highest among the groups gnomAD compares: South Asian, 0.0011%; no homozygotes.

Submission:

Labcorp Genetics (formerly Invitae), Labcorp
Classification: Pathogenic. Last evaluated: 2022-10-10. Review status: criteria provided, single submitter. Criteria: Invitae Variant Classification Sherloc (09022015). Collection method: clinical testing. Allele origin: germline.
Comment: This sequence change creates a premature translational stop signal (p.Gln32*) in the BSND gene. It is expected to result in an absent or disrupted protein product. Loss-of-function variants in BSND are known to be pathogenic (PMID: 11687798). For these reasons, this variant has been classified as Pathogenic. This premature translational stop signal has been observed in individual(s) with Bartter syndrome (PMID: 16328537). This variant is not present in population databases (gnomAD no frequency).

Literature cited by the submitters: PubMed 11687798; PubMed 16328537.

NM_057176.3(BSND):c.94C>T (p.Gln32Ter)

Gene: BSND (barttin CLCNK type accessory subunit beta; plus strand). Cytogenetic location: 1p32.3.
Variant type: single nucleotide variant.
Coding change: c.94C>T on transcript NM_057176.3 (MANE Select); coding-DNA position 94, C replaced by T.
Protein change: p.Gln32Ter; replaces glutamine 32 with a stop codon.
Molecular consequence: nonsense.
Genome position (GRCh38, 1-based): chr1:54,999,280, C>T. VCF-style: chr1-54999280-C-T. GRCh37 (hg19) VCF-style: chr1-55464953-C-T.
Other names: short protein forms Q32*.
Identifiers: ClinVar variation 2202763 (VCV002202763.4), dbSNP rs1644348992, ClinGen allele CA340470694.